The following is an entry in ClinVar:

NM_006063.3(KLHL41):c.1654A>G (p.Met552Val)

Gene: KLHL41 (kelch like family member 41; plus strand). Cytogenetic location: 2q31.1.
Variant type: single nucleotide variant.
Coding change: c.1654A>G on transcript NM_006063.3 (MANE Select); coding-DNA position 1654, A replaced by G.
Protein change: p.Met552Val; replaces methionine 552 with valine.
Molecular consequence: missense variant.
Genome position (GRCh38, 1-based): chr2:169,520,952, A>G. VCF-style: chr2-169520952-A-G. GRCh37 (hg19) VCF-style: chr2-170377462-A-G.
Other names: short protein forms M552V.
Identifiers: ClinVar variation 1989981 (VCV001989981.1), dbSNP rs1350898354, ClinGen allele CA349179962.
Genomic context (GRCh38, chr2:169,520,952, plus strand): 5'-AGAAGCTCCATCAGTTTGGTCAGCCTGGCTGGATCTCTGTATGCAATTGGTGGTTTTGCT[A>G]TGATTCAACTGGAGTCTAAAGAATTTGCACCCACTGAAGTCAATGACATATGGAAGTAAG-3'
Protein context (NP_006054.2, residues 542-562): GSLYAIGGFA[Met552Val]IQLESKEFAP

ClinVar aggregate classification (germline): Uncertain significance (1 of 4 stars; one submission).

Conditions:
Nemaline myopathy 9 (NEM9). Identifiers: MedGen C3810384, MONDO:0014326, OMIM 615731.

Allele frequency attached by ClinVar (database versions not stated): gnomAD exomes below 0.00001; gnomAD 0.00001.
gnomAD v4.1: 4 of 1,613,918 alleles (0.00025%); highest among the groups gnomAD compares: African/African-American, 0.0027%; no homozygotes.

Submission:

Labcorp Genetics (formerly Invitae), Labcorp
Classification: Uncertain significance for Nemaline myopathy 9. Last evaluated: 2022-02-08. Review status: criteria provided, single submitter. Criteria: Invitae Variant Classification Sherloc (09022015). Collection method: clinical testing. Allele origin: germline.
Comment: This sequence change replaces methionine, which is neutral and non-polar, with valine, which is neutral and non-polar, at codon 552 of the KLHL41 protein (p.Met552Val). This variant is present in population databases (no rsID available, gnomAD 0.004%). This variant has not been reported in the literature in individuals affected with KLHL41-related conditions. Algorithms developed to predict the effect of missense changes on protein structure and function (SIFT, PolyPhen-2, Align-GVGD) all suggest that this variant is likely to be tolerated. In summary, the available evidence is currently insufficient to determine the role of this variant in disease. Therefore, it has been classified as a Variant of Uncertain Significance.